The following is an entry in ClinVar:

NM_024570.4(RNASEH2B):c.16G>T (p.Asp6Tyr)

Genes: RNASEH2B (ribonuclease H2 subunit B; plus strand), RNASEH2B-AS1 (RNASEH2B antisense RNA 1; minus strand), LOC130009810 (ATAC-STARR-seq lymphoblastoid silent region 5362; plus strand). Cytogenetic location: 13q14.3.
Variant type: single nucleotide variant.
Coding change: c.16G>T on transcript NM_024570.4 (MANE Select); coding-DNA position 16, G replaced by T.
Protein change: p.Asp6Tyr; replaces aspartic acid 6 with tyrosine.
Molecular consequence: missense variant.
Genome position (GRCh38, 1-based): chr13:50,910,092, G>T. VCF-style: chr13-50910092-G-T. GRCh37 (hg19) VCF-style: chr13-51484228-G-T.
Other names: c.16G>T, p.Asp6Tyr (NM_001142279.2, NM_001411023.1); short protein forms D6Y.
Identifiers: ClinVar variation 2103939 (VCV002103939.1), dbSNP rs2541620471, ClinGen allele CA388258378.
Genomic context (GRCh38, chr13:50,910,092, plus strand): 5'-GGCCCGCGGCGCTGAGCCTGCGGCGCCCCGGAAGAGGCGGGCGGCATGGCCGCTGGCGTG[G>T]ACTGCGGGGACGGGGTTGGCGCCCGGCAGCACGTGTTCCTGGTTTCAGGTAAACACGCGC-3'
Protein context (NP_078846.2, residues 1-16): MAAGV[Asp6Tyr]CGDGVGARQH

ClinVar aggregate classification (germline): Uncertain significance (1 of 4 stars; one submission).

Conditions:
Aicardi-Goutieres syndrome 2. Identifiers: Orphanet 51, MedGen C3489724, MONDO:0012429, OMIM 610181.

Submission:

Labcorp Genetics (formerly Invitae), Labcorp
Classification: Uncertain significance for Aicardi-Goutieres syndrome 2. Last evaluated: 2022-04-21. Review status: criteria provided, single submitter. Criteria: Invitae Variant Classification Sherloc (09022015). Collection method: clinical testing. Allele origin: germline.
Comment: This sequence change replaces aspartic acid, which is acidic and polar, with tyrosine, which is neutral and polar, at codon 6 of the RNASEH2B protein (p.Asp6Tyr). This variant is not present in population databases (gnomAD no frequency). This variant has not been reported in the literature in individuals affected with RNASEH2B-related conditions. Algorithms developed to predict the effect of missense changes on protein structure and function are either unavailable or do not agree on the potential impact of this missense change (SIFT: "Deleterious"; PolyPhen-2: "Not Available"; Align-GVGD: "Class C0"). In summary, the available evidence is currently insufficient to determine the role of this variant in disease. Therefore, it has been classified as a Variant of Uncertain Significance.